The following is an entry in ClinVar:

NM_002778.4(PSAP):c.326T>C (p.Ile109Thr)

Gene: PSAP (prosaposin; minus strand). Cytogenetic location: 10q22.1.
Variant type: single nucleotide variant.
Coding change: c.326T>C on transcript NM_002778.4 (MANE Select); coding-DNA position 326, T replaced by C.
Protein change: p.Ile109Thr; replaces isoleucine 109 with threonine.
Molecular consequence: missense variant.
Genome position (GRCh38, 1-based): chr10:71,831,175, A>G on the plus strand (T>C on the coding strand, the complement: PSAP is on the minus strand). VCF-style: chr10-71831175-A-G. GRCh37 (hg19) VCF-style: chr10-73590932-A-G.
Other names: c.326T>C (NM_002778.3); c.326T>C, p.Ile109Thr (NM_001042465.3, NM_001042466.3); short protein forms I109T.
Identifiers: ClinVar variation 2144060 (VCV002144060.2), dbSNP rs2494533117, ClinGen allele CA377153587.

ClinVar aggregate classification (germline): Uncertain significance. Review status: criteria provided, single submitter (1 of 4 stars). 2 submissions from 2 submitters: Uncertain significance (1). 1 of the submissions does not count toward it. Last evaluated 2021-10-08.

Conditions:
Metachromatic leukodystrophy (MLD). Also called: METACHROMATIC LEUKOENCEPHALOPATHY; Cerebral sclerosis diffuse metachromatic form; SULFATIDE LIPIDOSIS; Arylsulfatase A Deficiency; ARSA DEFICIENCY; CEREBROSIDE SULFATASE DEFICIENCY. Identifiers: Orphanet 512, MedGen C0023522, MONDO:0018868, OMIM 250100.
Sphingolipid activator protein 1 deficiency. Also called: Metachromatic leukodystrophy due to saposin B deficiency; METACHROMATIC LEUKODYSTROPHY DUE TO CEREBROSIDE SULFATASE ACTIVATOR DEFICIENCY; Saposin B Deficiency. Identifiers: Orphanet 512, MedGen C0268262, MONDO:0009590, OMIM 249900.

Allele frequency attached by ClinVar (database versions not stated): gnomAD exomes below 0.00001.
gnomAD v4.1: 2 of 1,614,130 alleles (0.00012%); no homozygotes.

Submissions (2):

Labcorp Genetics (formerly Invitae), Labcorp
Classification: Uncertain significance for Sphingolipid activator protein 1 deficiency. Last evaluated: 2021-10-08. Review status: criteria provided, single submitter. Criteria: Invitae Variant Classification Sherloc (09022015). Collection method: clinical testing. Allele origin: germline.
Comment: This sequence change replaces isoleucine with threonine at codon 109 of the PSAP protein (p.Ile109Thr). The isoleucine residue is weakly conserved and there is a moderate physicochemical difference between isoleucine and threonine. This variant is not present in population databases (ExAC no frequency). This variant has not been reported in the literature in individuals affected with PSAP-related conditions. Algorithms developed to predict the effect of missense changes on protein structure and function are either unavailable or do not agree on the potential impact of this missense change (SIFT: "Not Available"; PolyPhen-2: "Benign"; Align-GVGD: "Not Available"). In summary, the available evidence is currently insufficient to determine the role of this variant in disease. Therefore, it has been classified as a Variant of Uncertain Significance.

Natera, Inc.
Classification: Uncertain significance for Metachromatic leukodystrophy. Last evaluated: 2025-02-10. Review status: no assertion criteria provided. Collection method: clinical testing. Allele origin: germline. Not counted in ClinVar's aggregate classification.